The following is an entry in ClinVar:

ClinVar aggregate classification (germline): Uncertain significance (1 of 4 stars; one submission).

Conditions:
Hereditary cancer-predisposing syndrome. Also called: Neoplastic Syndromes, Hereditary; Tumor predisposition; Hereditary neoplastic syndrome; Hereditary Cancer Syndrome. Identifiers: Orphanet 140162, MedGen C0027672, MeSH D009386, MONDO:0015356.

Submission:

Ambry Genetics
Classification: Uncertain significance for Hereditary cancer-predisposing syndrome. Last evaluated: 2026-06-15. Review status: criteria provided, single submitter. Criteria: Ambry Variant Classification Scheme 2023. Collection method: clinical testing. Allele origin: germline.
Comment: The p.S280T variant (also known as c.839G>C), located in coding exon 4 of the MSH6 gene, results from a G to C substitution at nucleotide position 839. The serine at codon 280 is replaced by threonine, an amino acid with similar properties. This amino acid position is conserved. In addition, this alteration is predicted to be tolerated by in silico analysis. Based on the available evidence, the clinical significance of this variant remains unclear.

NM_000179.3(MSH6):c.839G>C (p.Ser280Thr)

Gene: MSH6 (mutS homolog 6; plus strand). Cytogenetic location: 2p16.3.
Variant type: single nucleotide variant.
Coding change: c.839G>C on transcript NM_000179.3 (MANE Select); coding-DNA position 839, G replaced by C.
Protein change: p.Ser280Thr; replaces serine 280 with threonine.
Molecular consequence: missense variant. On other transcripts: 5 prime UTR variant (9), non-coding transcript variant (4), intron variant (1).
Genome position (GRCh38, 1-based): chr2:47,798,822, G>C. VCF-style: chr2-47798822-G-C. GRCh37 (hg19) VCF-style: chr2-48025961-G-C.
Other names: c.542G>C, p.Ser181Thr (NM_001406822.1, NM_001406824.1, NM_001406825.1 and 10 more transcripts); c.-68G>C (NM_001406823.1, NM_001406829.1, NM_001281493.2 and 6 more transcripts); c.671G>C, p.Ser224Thr (NM_001406826.1); c.628-1844G>C (NM_001407362.1); c.449G>C, p.Ser150Thr (NM_001281492.2); c.935G>C, p.Ser312Thr (NM_001406795.1, NM_001406802.1); c.839G>C, p.Ser280Thr (NM_001406796.1, NM_001406798.1, NM_001406800.1 and 4 more transcripts); c.314G>C, p.Ser105Thr (NM_001406799.1, NM_001406806.1, NM_001406807.1); and 2 more; short protein forms S181T, S254T, S150T, S280T, S312T, S105T, S224T, S282T.
Identifiers: ClinVar variation 5024859 (VCV005024859.1).